The following is an entry in ClinVar:

NM_001146312.3(MYOCD):c.1150C>T (p.Arg384Ter)

Gene: MYOCD (myocardin; plus strand). Cytogenetic location: 17p12.
Variant type: single nucleotide variant.
Coding change: c.1150C>T on transcript NM_001146312.3 (MANE Select); coding-DNA position 1150, C replaced by T.
Protein change: p.Arg384Ter; replaces arginine 384 with a stop codon.
Molecular consequence: nonsense.
Genome position (GRCh38, 1-based): chr17:12,752,438, C>T. VCF-style: chr17-12752438-C-T. GRCh37 (hg19) VCF-style: chr17-12655755-C-T.
Other names: c.913C>T, p.Arg305Ter (NM_001378306.1); c.1150C>T, p.Arg384Ter (NM_153604.4); short protein forms R305*, R384*.
Identifiers: ClinVar variation 4997776 (VCV004997776.1).

ClinVar aggregate classification (germline): Uncertain significance (1 of 4 stars; one submission).

Conditions:
MYOCD-related condition.

gnomAD v4.1: 1 of 1,612,322 alleles (0.000062%); highest among the groups gnomAD compares: Non-Finnish European, 0.000085%; no homozygotes.

Submission:

PreventionGenetics, part of Exact Sciences
Classification: Uncertain significance for MYOCD-related condition. Last evaluated: 2025-12-29. Review status: criteria provided, single submitter. Criteria: ACMG Guidelines, 2015. Collection method: clinical testing. Allele origin: germline.
Comment: The MYOCD c.1150C>T variant is predicted to result in premature protein termination (p.Arg384*). To our knowledge, this variant has not been reported in the literature. It is observed in 0.00089% of alleles in individuals of European (non-Finnish) descent in gnomAD. While frameshift variants in MYOCD are expected to be pathogenic, no documented causative variants downstream of the p.384 variant identified in this individual have been reported, to our knowledge. Although we suspect that this variant may be pathogenic, the clinical significance of this variant remains uncertain at this time due to the absence of conclusive functional and genetic evidence.